The following is an entry in ClinVar:

ClinVar aggregate classification (germline): Likely benign (1 of 4 stars; one submission).

Conditions:
Amyotrophic lateral sclerosis (ALS). Also called: Lou Gehrig disease; Charcot disease. Identifiers: Orphanet 803, MedGen C0002736, MONDO:0004976, HP:0007354.

Submission:

Department of Neurology, Brain Research Institute, Niigata University
Classification: Likely benign for Amyotrophic lateral sclerosis. Last evaluated: 2026-09-21. Review status: criteria provided, single submitter. Criteria: ACMG Guidelines, 2015. Collection method: research. Allele origin: unknown. Affected: yes.
Comment: REVEL score of this variant is 0.108 (BP4_Moderate).

NM_004960.4(FUS):c.928A>G (p.Ile310Val)

Gene: FUS (FUS RNA binding protein; plus strand). Cytogenetic location: 16p11.2.
Variant type: single nucleotide variant.
Coding change: c.928A>G on transcript NM_004960.4 (MANE Select); coding-DNA position 928, A replaced by G.
Protein change: p.Ile310Val; replaces isoleucine 310 with valine.
Molecular consequence: missense variant. On other transcripts: non-coding transcript variant (1).
Genome position (GRCh38, 1-based): chr16:31,189,218, A>G. VCF-style: chr16-31189218-A-G. GRCh37 (hg19) VCF-style: chr16-31200539-A-G.
Other names: c.925A>G, p.Ile309Val (NM_001170634.1); c.916A>G, p.Ile306Val (NM_001170937.1); short protein forms I306V, I309V, I310V.
Identifiers: ClinVar variation 4820031 (VCV004820031.2).